The following is an entry in ClinVar:

NM_013266.4(CTNNA3):c.871G>A (p.Val291Ile)

Gene: CTNNA3 (catenin alpha 3; minus strand). Cytogenetic location: 10q21.3.
Variant type: single nucleotide variant.
Coding change: c.871G>A on transcript NM_013266.4 (MANE Select); coding-DNA position 871, G replaced by A.
Protein change: p.Val291Ile; replaces valine 291 with isoleucine.
Molecular consequence: missense variant.
Genome position (GRCh38, 1-based): chr10:67,180,493, C>T on the plus strand (G>A on the coding strand, the complement: CTNNA3 is on the minus strand). VCF-style: chr10-67180493-C-T. GRCh37 (hg19) VCF-style: chr10-68940251-C-T.
Other names: c.871G>A, p.Val291Ile (NM_001127384.3); c.907G>A, p.Val303Ile (NM_001291133.2); short protein forms V291I, V303I.
Identifiers: ClinVar variation 3226246 (VCV003226246.1), dbSNP rs2547990774, ClinGen allele CA377097069.

ClinVar aggregate classification (germline): Uncertain significance (1 of 4 stars; one submission).

Allele frequency attached by ClinVar (database versions not stated): gnomAD exomes below 0.00001.
gnomAD v4.1: 1 of 1,613,728 alleles (0.000062%); highest among the groups gnomAD compares: Non-Finnish European, 0.000085%; no homozygotes.

Submission:

Ambry Genetics
Classification: Uncertain significance. Last evaluated: 2023-10-15. Review status: criteria provided, single submitter. Criteria: Ambry Variant Classification Scheme 2023. Collection method: clinical testing. Allele origin: germline.
Comment: The p.V291I variant (also known as c.871G>A), located in coding exon 6 of the CTNNA3 gene, results from a G to A substitution at nucleotide position 871. The valine at codon 291 is replaced by isoleucine, an amino acid with highly similar properties. This amino acid position is conserved. In addition, this alteration is predicted to be tolerated by in silico analysis. Since supporting evidence is limited at this time, the clinical significance of this alteration remains unclear.